The following is an entry in ClinVar:

NM_000548.5(TSC2):c.4569+12C>T

Gene: TSC2 (TSC complex subunit 2; plus strand). Cytogenetic location: 16p13.3.
Variant type: single nucleotide variant.
Coding change: c.4569+12C>T on transcript NM_000548.5 (MANE Select); 12 bases into the intron after coding-DNA position 4569, C replaced by T.
Molecular consequence: intron variant.
Genome position (GRCh38, 1-based): chr16:2,085,038, C>T. VCF-style: chr16-2085038-C-T. GRCh37 (hg19) VCF-style: chr16-2135039-C-T.
Other names: c.4500+12C>T (NM_001114382.3); c.4440+12C>T (NM_021055.3, NM_001370405.1); c.4371+12C>T (NM_001363528.2); c.4437+12C>T (NM_001370404.1); c.4368+12C>T (NM_001077183.3); c.4260+12C>T (NM_001318827.2); c.3837+12C>T (NM_001318831.2); c.4224+12C>T (NM_001318829.2); and 1 more.
Identifiers: ClinVar variation 49856 (VCV000049856.13), dbSNP rs45517350, ClinGen allele CA020659.
Genomic context (GRCh38, chr16:2,085,038, plus strand): 5'-CCCCTTCTTTGGCGACGAGTCAAACAAGCCAATCCTGCTGCCCAATGAGGTAGGCGTGGC[C>T]TCCCTCTCCTGCATCCGCTGGAGCTGTGTGGCTCGGGTGAATGGTGGGGGGCCCAGCTCT-3'

ClinVar aggregate classification (germline): Conflicting classifications of pathogenicity. Review status: criteria provided, conflicting classifications (1 of 4 stars). 5 submissions from 5 submitters: Uncertain significance (2); Likely benign (2). 1 of the submissions does not count toward it. Last evaluated 2026-02-03.

Conditions:
Tuberous sclerosis 2 (TSC2). Identifiers: Orphanet 805, MedGen C1860707, MONDO:0013199, OMIM 613254.
Tuberous sclerosis syndrome (TSC). Also called: Tuberous Sclerosis Complex; Tuberous sclerosis. Identifiers: Orphanet 805, MedGen C0041341, MONDO:0001734.

Allele frequency attached by ClinVar (database versions not stated): ExAC 0.00002; gnomAD exomes 0.00003; gnomAD 0.00007 and 0.00008; TOPMed 0.00009; ESP Exome Variant Server 0.00015.
gnomAD v4.1: 212 of 1,613,010 alleles (0.013%); highest among the groups gnomAD compares: Non-Finnish European, 0.017%; no homozygotes.

Submissions (5):

Labcorp Genetics (formerly Invitae), Labcorp
Classification: Likely benign for Tuberous sclerosis 2. Last evaluated: 2026-02-03. Review status: criteria provided, single submitter. Criteria: Invitae Variant Classification Sherloc (09022015). Collection method: clinical testing. Allele origin: germline.

Illumina Laboratory Services, Illumina
Classification: Uncertain significance for Tuberous sclerosis syndrome. Last evaluated: 2018-01-13. Review status: criteria provided, single submitter. Criteria: ICSL Variant Classification Criteria 13 December 2019. Collection method: clinical testing. Allele origin: germline.

Center for Pediatric Genomic Medicine, Children's Mercy Hospital and Clinics
Classification: Uncertain significance. Last evaluated: 2017-05-19. Review status: criteria provided, single submitter. Criteria: ACMG Guidelines, 2015. Collection method: clinical testing. Allele origin: germline.

GeneDx
Classification: Likely benign. Last evaluated: 2017-03-01. Review status: criteria provided, single submitter. Criteria: GeneDx Variant Classification (06012015). Collection method: clinical testing. Allele origin: germline. Affected: yes.
Comment: This variant is considered likely benign or benign based on one or more of the following criteria: it is a conservative change, it occurs at a poorly conserved position in the protein, it is predicted to be benign by multiple in silico algorithms, and/or has population frequency not consistent with disease.

Tuberous sclerosis database (TSC2)
No classification provided. Condition: TSC. Review status: no classification provided. Criteria: Tuberous Sclerosis Database Assertion Criteria 2015. Collection method: curation. Allele origin: germline. Affected: yes. Not counted in ClinVar's aggregate classification.